The following is an entry in ClinVar:

NM_001177316.2(SLC34A3):c.1051C>T (p.Arg351Cys)

Gene: SLC34A3 (solute carrier family 34 member 3; plus strand). Cytogenetic location: 9q34.3.
Variant type: single nucleotide variant.
Coding change: c.1051C>T on transcript NM_001177316.2 (MANE Select); coding-DNA position 1051, C replaced by T.
Protein change: p.Arg351Cys; replaces arginine 351 with cysteine.
Molecular consequence: missense variant.
Genome position (GRCh38, 1-based): chr9:137,234,234, C>T. VCF-style: chr9-137234234-C-T. GRCh37 (hg19) VCF-style: chr9-140128686-C-T.
Other names: c.1051C>T, p.Arg351Cys (NM_001177317.2, NM_080877.3); c.1051C>T (NM_080877.2); short protein forms R351C.
Identifiers: ClinVar variation 64497 (VCV000064497.4), dbSNP rs387907514, ClinGen allele CA216274.

ClinVar aggregate classification (germline): Uncertain significance. Review status: criteria provided, single submitter (1 of 4 stars). 2 submissions from 2 submitters: Uncertain significance (1). 1 of the submissions does not count toward it. Last evaluated 2024-01-03.

Conditions:
Autosomal recessive hypophosphatemic bone disease (HHRH). Also called: Hypophosphatemic rickets with hypercalciuria; HYPERCALCIURIC RICKETS. Identifiers: Orphanet 157215, MedGen C1853271, MONDO:0009431, OMIM 241530.

Allele frequency attached by ClinVar (database versions not stated): TOPMed below 0.00001; gnomAD 0.00001; gnomAD exomes 0.00001.

Submissions (2):

Fulgent Genetics
Classification: Uncertain significance for Autosomal recessive hypophosphatemic bone disease. Last evaluated: 2024-01-03. Review status: criteria provided, single submitter. Criteria: ACMG Guidelines, 2015. Collection method: clinical testing. Allele origin: germline.

Martin Pollak Laboratory,  Beth Israel Deaconess Medical Center
Classification: Uncertain significance. Review status: no assertion criteria provided. Collection method: not provided. Allele origin: unknown. Not counted in ClinVar's aggregate classification.
Comment: Higher UCa2+ group
ClinVar note: Converted during submission from unknown to Uncertain significance.